The following is an entry in ClinVar:

ClinVar aggregate classification (germline): Uncertain significance (1 of 4 stars; one submission).

Submission:

Labcorp Genetics (formerly Invitae), Labcorp
Classification: Uncertain significance. Last evaluated: 2024-07-29. Review status: criteria provided, single submitter. Criteria: Invitae Variant Classification Sherloc (09022015). Collection method: clinical testing. Allele origin: germline.
Comment: This sequence change replaces leucine, which is neutral and non-polar, with phenylalanine, which is neutral and non-polar, at codon 151 of the SBF1 protein (p.Leu151Phe). This variant is present in population databases (rs775305921, gnomAD 0.006%). This variant has not been reported in the literature in individuals affected with SBF1-related conditions. Advanced modeling of protein sequence and biophysical properties (such as structural, functional, and spatial information, amino acid conservation, physicochemical variation, residue mobility, and thermodynamic stability) performed at Invitae indicates that this missense variant is expected to disrupt SBF1 protein function with a positive predictive value of 80%. In summary, the available evidence is currently insufficient to determine the role of this variant in disease. Therefore, it has been classified as a Variant of Uncertain Significance.

NM_002972.4(SBF1):c.451C>T (p.Leu151Phe)

Gene: SBF1 (SET binding factor 1; minus strand). Cytogenetic location: 22q13.33.
Variant type: single nucleotide variant.
Coding change: c.451C>T on transcript NM_002972.4 (MANE Select); coding-DNA position 451, C replaced by T.
Protein change: p.Leu151Phe; replaces leucine 151 with phenylalanine.
Molecular consequence: missense variant.
Genome position (GRCh38, 1-based): chr22:50,467,436, G>A on the plus strand (C>T on the coding strand, the complement: SBF1 is on the minus strand). VCF-style: chr22-50467436-G-A. GRCh37 (hg19) VCF-style: chr22-50905865-G-A.
Other names: c.454C>T, p.Leu152Phe (NM_001365819.1, NM_001410794.1); c.451C>T, p.Leu151Phe (NM_001410795.1); short protein forms L152F, L151F.
Identifiers: ClinVar variation 3684230 (VCV003684230.2).